The following is an entry in ClinVar:

ClinVar aggregate classification (germline): Pathogenic. Review status: reviewed by expert panel (3 of 4 stars). 4 submissions from 4 submitters: Pathogenic (1). 3 of the submissions do not count toward it. Last evaluated 2024-06-13.

Conditions:
T-B+ severe combined immunodeficiency due to JAK3 deficiency. Also called: SCID, autosomal recessive, T-negative/B-positive type; SCID, T CELL-NEGATIVE, B CELL-POSITIVE, NK CELL-NEGATIVE. Identifiers: Orphanet 35078, MedGen C1833275, MONDO:0010938, OMIM 600802.

Allele frequency attached by ClinVar (database versions not stated): gnomAD exomes below 0.00001; TOPMed below 0.00001.
gnomAD v4.1: 2 of 1,611,626 alleles (0.00012%); highest among the groups gnomAD compares: Non-Finnish European, 0.00017%; no homozygotes.

Submissions (4):

ClinGen Severe Combined Immunodeficiency Variant Curation Expert Panel, ClinGen
Classification: Pathogenic for T-B+ severe combined immunodeficiency due to JAK3 deficiency. Last evaluated: 2024-06-13. Review status: reviewed by expert panel. Criteria: ClinGen SCID ACMG Specifications JAK3 V1.0.0. Collection method: curation. Allele origin: germline. Inheritance: Autosomal recessive inheritance.
Comment: The c.1333C>T (p.Arg445Ter) (NM_000215.4) variant in JAK3 is a nonsense variant observed to cause a premature stop codon in a gene in which loss-of-function is an established disease mechanism (PVS1). The filtering allele frequency in gnomAD v4.1.0 is 0.0000002800 (2/1179170 alleles) in European (non-Finnish) population, which is lower than the ClinGen SCID VCEP threshold (<0.000115) for PM2_Supporting. Additionally, no homozygotes have been observed in gnomAD. (PM2_Supporting). At least one patient in the literature, LP1, presents JAk3 expression and phosphorylation absent; STAT5a phosphorylation is absent, and STAT6 phosphorylation is reduced. Thus: *Reduced or constitutive cytokine-induced tyrosine phosphorylation in patient cells (1pt) + *Reduced cytokine-induced phosphorylation of STAT5 in patient-derived T or B cells (1pt). Total 2 points, PP4_Moderate (PMID 9618765). In summary, this variant meets the criteria to be classified as Pathogenic for autosomal recessive T-B+ severe combined immunodeficiency due to JAK3 deficiency based on the ACMG/AMP criteria applied, as specified by the ClinGen SCID VCEP: PVS1, PM2_Supporting, and PP4_Moderate (VCEP specifications version 1).

Fulgent Genetics
Classification: Likely pathogenic for T-B+ severe combined immunodeficiency due to JAK3 deficiency. Last evaluated: 2024-05-30. Review status: criteria provided, single submitter. Criteria: ACMG Guidelines, 2015. Collection method: clinical testing. Allele origin: germline. Not counted in ClinVar's aggregate classification.

Labcorp Genetics (formerly Invitae), Labcorp
Classification: Pathogenic for T-B+ severe combined immunodeficiency due to JAK3 deficiency. Last evaluated: 2024-02-09. Review status: criteria provided, single submitter. Criteria: Invitae Variant Classification Sherloc (09022015). Collection method: clinical testing. Allele origin: germline. Not counted in ClinVar's aggregate classification.
Comment: This sequence change creates a premature translational stop signal (p.Arg445*) in the JAK3 gene. It is expected to result in an absent or disrupted protein product. Loss-of-function variants in JAK3 are known to be pathogenic (PMID: 7481768, 11668621). This variant is not present in population databases (gnomAD no frequency). This premature translational stop signal has been observed in individual(s) with clinical features of severe combined immunodeficiency (PMID: 9354668). This variant is also known as 1428C>T. ClinVar contains an entry for this variant (Variation ID: 9364). Algorithms developed to predict the effect of sequence changes on RNA splicing suggest that this variant may disrupt the consensus splice site. For these reasons, this variant has been classified as Pathogenic.

OMIM
Classification: Pathogenic for SEVERE COMBINED IMMUNODEFICIENCY, AUTOSOMAL RECESSIVE, T CELL-NEGATIVE, B CELL-POSITIVE, NK CELL-NEGATIVE. Last evaluated: 2000-01-01. Review status: no assertion criteria provided. Collection method: literature only. Allele origin: germline. Not counted in ClinVar's aggregate classification.

Literature cited by the submitters: PubMed 7481768 (cited by Labcorp Genetics (formerly Invitae), Labcorp); PubMed 11668621 (cited by Labcorp Genetics (formerly Invitae), Labcorp); PubMed 9354668 (cited by Labcorp Genetics (formerly Invitae), Labcorp); PubMed 10982185 (cited by OMIM).

NM_000215.4(JAK3):c.1333C>T (p.Arg445Ter)

Gene: JAK3 (Janus kinase 3; minus strand). Cytogenetic location: 19p13.11.
Variant type: single nucleotide variant.
Coding change: c.1333C>T on transcript NM_000215.4 (MANE Select); coding-DNA position 1333, C replaced by T.
Protein change: p.Arg445Ter; replaces arginine 445 with a stop codon.
Molecular consequence: nonsense.
Genome position (GRCh38, 1-based): chr19:17,839,585, G>A on the plus strand (C>T on the coding strand, the complement: JAK3 is on the minus strand). VCF-style: chr19-17839585-G-A. GRCh37 (hg19) VCF-style: chr19-17950394-G-A.
Other names: NM_000215.4(JAK3):c.1333C>T; p.Arg445Ter; short protein forms R445*.
Identifiers: ClinVar variation 9364 (VCV000009364.6), dbSNP rs137852626, ClinGen allele CA120306.